The following is an entry in ClinVar:

ClinVar aggregate classification (germline): Uncertain significance (1 of 4 stars; one submission).

Submission:

GeneDx
Classification: Uncertain significance. Last evaluated: 2025-02-26. Review status: criteria provided, single submitter. Criteria: GeneDx Variant Classification Process June 2021. Collection method: clinical testing. Allele origin: germline. Affected: yes.
Comment: Not observed at significant frequency in large population cohorts (gnomAD); In silico analysis indicates that this missense variant does not alter protein structure/function; Has not been previously published as pathogenic or benign to our knowledge

NM_001368397.1(FRMPD4):c.1559G>A (p.Arg520Lys)

Gene: FRMPD4 (FERM and PDZ domain containing 4; plus strand). Cytogenetic location: Xp22.2.
Variant type: single nucleotide variant.
Coding change: c.1559G>A on transcript NM_001368397.1 (MANE Select); coding-DNA position 1559, G replaced by A.
Protein change: p.Arg520Lys; replaces arginine 520 with lysine.
Molecular consequence: missense variant.
Genome position (GRCh38, 1-based): chrX:12,710,487, G>A. VCF-style: chrX-12710487-G-A. GRCh37 (hg19) VCF-style: chrX-12728606-G-A.
Other names: c.1670G>A, p.Arg557Lys (NM_001368395.3, NM_001368398.3); c.1565G>A, p.Arg522Lys (NM_001368396.3); c.1550G>A, p.Arg517Lys (NM_001368399.3); c.1439G>A, p.Arg480Lys (NM_001368400.3); c.1535G>A, p.Arg512Lys (NM_001368401.1, NM_001368402.3); c.1559G>A, p.Arg520Lys (NM_014728.3); short protein forms R480K, R512K, R517K, R520K, R522K, R557K.
Identifiers: ClinVar variation 4077226 (VCV004077226.1).